The following is an entry in ClinVar:

NM_004369.4(COL6A3):c.4424T>C (p.Val1475Ala)

Gene: COL6A3 (collagen type VI alpha 3 chain; minus strand). Cytogenetic location: 2q37.3.
Variant type: single nucleotide variant.
Coding change: c.4424T>C on transcript NM_004369.4 (MANE Select); coding-DNA position 4424, T replaced by C.
Protein change: p.Val1475Ala; replaces valine 1475 with alanine.
Molecular consequence: missense variant.
Genome position (GRCh38, 1-based): chr2:237,369,039, A>G on the plus strand (T>C on the coding strand, the complement: COL6A3 is on the minus strand). VCF-style: chr2-237369039-A-G. GRCh37 (hg19) VCF-style: chr2-238277682-A-G.
Other names: c.2603T>C, p.Val868Ala (NM_057166.5); c.3806T>C, p.Val1269Ala (NM_057167.4); short protein forms V1269A, V1475A, V868A.
Identifiers: ClinVar variation 1493484 (VCV001493484.8), dbSNP rs1216842831, ClinGen allele CA351193359.

ClinVar aggregate classification (germline): Conflicting classifications of pathogenicity. Review status: criteria provided, conflicting classifications (1 of 4 stars). 2 submissions from 2 submitters: Uncertain significance (1); Likely benign (1). Last evaluated 2025-10-01.

Conditions:
Bethlem myopathy 1A. Also called: Bethlem myopathy 1; Bethlem Muscular Dystrophy; MYOPATHY, BENIGN CONGENITAL, WITH CONTRACTURES. Identifiers: Orphanet 610, MedGen CN029274, MONDO:0024530, OMIM 158810.

Allele frequency attached by ClinVar (database versions not stated): gnomAD exomes below 0.00001; TOPMed 0.00001.
gnomAD v4.1: 4 of 1,613,900 alleles (0.00025%); highest among the groups gnomAD compares: Admixed American, 0.005%; no homozygotes.

Submissions (2):

Labcorp Genetics (formerly Invitae), Labcorp
Classification: Likely benign for Bethlem myopathy 1A. Last evaluated: 2025-10-01. Review status: criteria provided, single submitter. Criteria: Invitae Variant Classification Sherloc (09022015). Collection method: clinical testing. Allele origin: germline.

GeneDx
Classification: Uncertain significance. Last evaluated: 2021-11-12. Review status: criteria provided, single submitter. Criteria: GeneDx Variant Classification Process June 2021. Collection method: clinical testing. Allele origin: germline. Affected: yes.
Comment: Not observed at significant frequency in large population cohorts (gnomAD); In silico analysis supports that this missense variant does not alter protein structure/function; Has not been previously published as pathogenic or benign to our knowledge